The following is an entry in ClinVar:

NM_017534.6(MYH2):c.430C>T (p.Arg144Ter)

Genes: MYHAS (myosin heavy chain gene cluster antisense RNA; plus strand), MYH2 (myosin heavy chain 2; minus strand). Cytogenetic location: 17p13.1.
Variant type: single nucleotide variant.
Coding change: c.430C>T on transcript NM_017534.6 (MANE Select); coding-DNA position 430, C replaced by T.
Protein change: p.Arg144Ter; replaces arginine 144 with a stop codon.
Molecular consequence: nonsense.
Genome position (GRCh38, 1-based): chr17:10,545,421, G>A on the plus strand (C>T on the coding strand, the complement: MYH2 is on the minus strand). VCF-style: chr17-10545421-G-A. GRCh37 (hg19) VCF-style: chr17-10448738-G-A.
Other names: c.430C>T, p.Arg144Ter (NM_001100112.2); short protein forms R144*.
Identifiers: ClinVar variation 2805481 (VCV002805481.3), dbSNP rs762784420, ClinGen allele CA398170949.

ClinVar aggregate classification (germline): Pathogenic (1 of 4 stars; one submission).

Conditions:
Myopathy, proximal, and ophthalmoplegia (CMYO6). Also called: CONGENITAL MYOPATHY 6 WITH OPHTHALMOPLEGIA; MYOPATHY WITH CONGENITAL JOINT CONTRACTURES, OPHTHALMOPLEGIA, AND RIMMED VACUOLES; INCLUSION BODY MYOPATHY 3, AUTOSOMAL DOMINANT. Identifiers: Orphanet 363677, Orphanet 79091, MedGen C1854106, MONDO:0011577, OMIM 605637.

gnomAD v4.1: 3 of 1,614,114 alleles (0.00019%); highest among the groups gnomAD compares: Non-Finnish European, 0.00025%; no homozygotes.

Submission:

Labcorp Genetics (formerly Invitae), Labcorp
Classification: Pathogenic for Myopathy, proximal, and ophthalmoplegia. Last evaluated: 2023-08-27. Review status: criteria provided, single submitter. Criteria: Invitae Variant Classification Sherloc (09022015). Collection method: clinical testing. Allele origin: germline.
Comment: For these reasons, this variant has been classified as Pathogenic. This variant has not been reported in the literature in individuals affected with MYH2-related conditions. This variant is not present in population databases (gnomAD no frequency). This sequence change creates a premature translational stop signal (p.Arg144*) in the MYH2 gene. It is expected to result in an absent or disrupted protein product. Loss-of-function variants in MYH2 are known to be pathogenic (PMID: 20418530, 23388406, 24193343).

Literature cited by the submitters: PubMed 20418530; PubMed 23388406; PubMed 24193343.